The following is an entry in ClinVar:

ClinVar aggregate classification (germline): Uncertain significance (1 of 4 stars; one submission).

Conditions:
Nemaline myopathy 2 (NEM2). Also called: Nemaline myopathy 2, autosomal recessive. Identifiers: MedGen C1850569, MONDO:0009725, OMIM 256030.

Allele frequency attached by ClinVar (database versions not stated): gnomAD exomes 0.00001; TOPMed below 0.00001; gnomAD 0.00001.
gnomAD v4.1: 13 of 1,613,800 alleles (0.00081%); highest among the groups gnomAD compares: Non-Finnish European, 0.001%; no homozygotes.

Submission:

Labcorp Genetics (formerly Invitae), Labcorp
Classification: Uncertain significance for Nemaline myopathy 2. Last evaluated: 2022-08-09. Review status: criteria provided, single submitter. Criteria: Invitae Variant Classification Sherloc (09022015). Collection method: clinical testing. Allele origin: germline.
Comment: ClinVar contains an entry for this variant (Variation ID: 1406916). This variant has not been reported in the literature in individuals affected with NEB-related conditions. This variant is not present in population databases (gnomAD no frequency). This sequence change replaces alanine, which is neutral and non-polar, with valine, which is neutral and non-polar, at codon 1620 of the NEB protein (p.Ala1620Val). Algorithms developed to predict the effect of missense changes on protein structure and function are either unavailable or do not agree on the potential impact of this missense change (SIFT: "Deleterious"; PolyPhen-2: "Not Available"; Align-GVGD: "Class C0"). In summary, the available evidence is currently insufficient to determine the role of this variant in disease. Therefore, it has been classified as a Variant of Uncertain Significance.

NM_001164508.2(NEB):c.4859C>T (p.Ala1620Val)

Gene: NEB (nebulin; minus strand). Cytogenetic location: 2q23.3.
Variant type: single nucleotide variant.
Coding change: c.4859C>T on transcript NM_001164508.2 (MANE Select); coding-DNA position 4859, C replaced by T.
Protein change: p.Ala1620Val; replaces alanine 1620 with valine.
Molecular consequence: missense variant.
Genome position (GRCh38, 1-based): chr2:151,666,262, G>A on the plus strand (C>T on the coding strand, the complement: NEB is on the minus strand). VCF-style: chr2-151666262-G-A. GRCh37 (hg19) VCF-style: chr2-152522776-G-A.
Other names: c.4859C>T, p.Ala1620Val (NM_001164507.2, NM_001271208.2, NM_004543.5); short protein forms A1620V.
Identifiers: ClinVar variation 1406916 (VCV001406916.8), dbSNP rs2099215851, ClinGen allele CA348813643.